The following is an entry in ClinVar:

NM_000059.4(BRCA2):c.2659G>T (p.Glu887Ter)

Gene: BRCA2 (BRCA2 DNA repair associated; plus strand). Cytogenetic location: 13q13.1.
Variant type: single nucleotide variant.
Coding change: c.2659G>T on transcript NM_000059.4 (MANE Select); coding-DNA position 2659, G replaced by T.
Protein change: p.Glu887Ter; replaces glutamic acid 887 with a stop codon.
Molecular consequence: nonsense. On other transcripts: non-coding transcript variant (1), intron variant (2).
Genome position (GRCh38, 1-based): chr13:32,337,014, G>T. VCF-style: chr13-32337014-G-T. GRCh37 (hg19) VCF-style: chr13-32911151-G-T.
Other names: c.2659G>T, p.Glu887Ter (NM_001406719.1, NM_001406720.1, NM_001432077.1); c.1909+3627G>T (NM_001406721.1); c.424+5984G>T (NM_001406722.1); short protein forms E887*.
Identifiers: ClinVar variation 4867813 (VCV004867813.1).

ClinVar aggregate classification (germline): Pathogenic (1 of 4 stars; one submission).

Conditions:
Hereditary cancer-predisposing syndrome. Also called: Neoplastic Syndromes, Hereditary; Tumor predisposition; Hereditary Cancer Syndrome; Hereditary neoplastic syndrome. Identifiers: Orphanet 140162, MedGen C0027672, MeSH D009386, MONDO:0015356.

Submission:

Ambry Genetics
Classification: Pathogenic for Hereditary cancer-predisposing syndrome. Last evaluated: 2026-04-13. Review status: criteria provided, single submitter. Criteria: Ambry Variant Classification Scheme 2023. Collection method: clinical testing. Allele origin: germline.
Comment: The p.E887* pathogenic mutation (also known as c.2659G>T), located in coding exon 10 of the BRCA2 gene, results from a G to T substitution at nucleotide position 2659. This changes the amino acid from a glutamic acid to a stop codon within coding exon 10. This variant is considered to be rare based on population cohorts in the Genome Aggregation Database (gnomAD). This alteration is expected to result in loss of function by premature protein truncation or nonsense-mediated mRNA decay. As such, this alteration is interpreted as a disease-causing mutation.